The following is an entry in ClinVar:

ClinVar aggregate classification (germline): Uncertain significance (1 of 4 stars; one submission).

Submission:

Labcorp Genetics (formerly Invitae), Labcorp
Classification: Uncertain significance. Last evaluated: 2025-08-31. Review status: criteria provided, single submitter. Criteria: Invitae Variant Classification Sherloc (09022015). Collection method: clinical testing. Allele origin: germline.
Comment: This sequence change replaces glycine, which is neutral and non-polar, with arginine, which is basic and polar, at codon 199 of the HNF1A protein (p.Gly199Arg). This variant is not present in population databases (gnomAD no frequency). This variant has not been reported in the literature in individuals affected with HNF1A-related conditions. Invitae Evidence Modeling of protein sequence and biophysical properties (such as structural, functional, and spatial information, amino acid conservation, physicochemical variation, residue mobility, and thermodynamic stability) indicates that this missense variant is not expected to disrupt HNF1A protein function with a negative predictive value of 80%. In summary, the available evidence is currently insufficient to determine the role of this variant in disease. Therefore, it has been classified as a Variant of Uncertain Significance.

NM_000545.8(HNF1A):c.595G>A (p.Gly199Arg)

Gene: HNF1A (HNF1 homeobox A; plus strand). Cytogenetic location: 12q24.31.
Variant type: single nucleotide variant.
Coding change: c.595G>A on transcript NM_000545.8 (MANE Select); coding-DNA position 595, G replaced by A.
Protein change: p.Gly199Arg; replaces glycine 199 with arginine.
Molecular consequence: missense variant.
Genome position (GRCh38, 1-based): chr12:120,993,588, G>A. VCF-style: chr12-120993588-G-A. GRCh37 (hg19) VCF-style: chr12-121431391-G-A.
Other names: c.595G>A, p.Gly199Arg (NM_001306179.2, NM_001406915.1); short protein forms G199R.
Identifiers: ClinVar variation 4741345 (VCV004741345.1).